The following is an entry in ClinVar:

ClinVar aggregate classification (germline): Pathogenic (1 of 4 stars; one submission).

Submission:

Labcorp Genetics (formerly Invitae), Labcorp
Classification: Pathogenic. Last evaluated: 2023-04-27. Review status: criteria provided, single submitter. Criteria: Invitae Variant Classification Sherloc (09022015). Collection method: clinical testing. Allele origin: germline.
Comment: This sequence change creates a premature translational stop signal (p.Ile710*) in the CUL3 gene. It is expected to result in an absent or disrupted protein product. Loss-of-function variants in CUL3 are known to be pathogenic (PMID: 32341456). This variant is not present in population databases (gnomAD no frequency). This variant has not been reported in the literature in individuals affected with CUL3-related conditions. For these reasons, this variant has been classified as Pathogenic.

Literature cited by the submitters: PubMed 32341456.

NM_003590.5(CUL3):c.2127del (p.Arg709_Ile710insTer)

Gene: CUL3 (cullin 3; minus strand). Cytogenetic location: 2q36.2.
Variant type: Deletion.
Coding change: c.2127del on transcript NM_003590.5 (MANE Select); coding-DNA position 2127, one base deleted (G; older notation c.2127delG).
Protein change: p.Arg709_Ile710insTer.
Molecular consequence: frameshift variant.
Genome position (GRCh38, 1-based): chr2:224,478,248, C deleted on the plus strand (G on the coding strand, the reverse complement: CUL3 is on the minus strand); the first of 2 consecutive C bases (chr2:224,478,248-224,478,249); deleting either gives the same sequence. VCF-style (leftmost placement, unchanged base first): chr2-224478247-TC-T. GRCh37 (hg19) VCF-style: chr2-225342964-TC-T.
Other names: c.1929del, p.Arg643_Ile644insTer (NM_001257197.2); c.2145del, p.Arg715_Ile716insTer (NM_001257198.2).
Identifiers: ClinVar variation 2857636 (VCV002857636.3), dbSNP rs2469908116, ClinGen allele CA2739279488.